The following is an entry in ClinVar:

ClinVar aggregate classification (germline): Uncertain significance (1 of 4 stars; one submission).

Conditions:
PRPH2-related disorder. Also called: PRPH2-related condition; PRPH2-related disorders. Identifiers: MedGen CN239395.

Allele frequency attached by ClinVar (database versions not stated): ExAC 0.00001; gnomAD 0.00001.
gnomAD v4.1: 3 of 1,607,684 alleles (0.00019%); highest among the groups gnomAD compares: Admixed American, 0.0034%; no homozygotes.

Submission:

Labcorp Genetics (formerly Invitae), Labcorp
Classification: Uncertain significance for PRPH2-related disorder. Last evaluated: 2024-11-11. Review status: criteria provided, single submitter. Criteria: Invitae Variant Classification Sherloc (09022015). Collection method: clinical testing. Allele origin: germline.
Comment: This sequence change replaces glutamic acid, which is acidic and polar, with lysine, which is basic and polar, at codon 276 of the PRPH2 protein (p.Glu276Lys). The frequency data for this variant in the population databases is considered unreliable, as metrics indicate poor data quality at this position in the gnomAD database. This missense change has been observed in individual(s) with retinitis pigmentosa (PMID: 19958124). ClinVar contains an entry for this variant (Variation ID: 1522641). An algorithm developed to predict the effect of missense changes on protein structure and function (PolyPhen-2) suggests that this variant is likely to be tolerated. In summary, the available evidence is currently insufficient to determine the role of this variant in disease. Therefore, it has been classified as a Variant of Uncertain Significance.

Literature cited by the submitters: PubMed 19958124.

NM_000322.5(PRPH2):c.826G>A (p.Glu276Lys)

Gene: PRPH2 (peripherin 2; minus strand). Cytogenetic location: 6p21.1.
Variant type: single nucleotide variant.
Coding change: c.826G>A on transcript NM_000322.5 (MANE Select); coding-DNA position 826, G replaced by A.
Protein change: p.Glu276Lys; replaces glutamic acid 276 with lysine.
Molecular consequence: missense variant.
Genome position (GRCh38, 1-based): chr6:42,704,367, C>T on the plus strand (G>A on the coding strand, the complement: PRPH2 is on the minus strand). VCF-style: chr6-42704367-C-T. GRCh37 (hg19) VCF-style: chr6-42672105-C-T.
Other names: short protein forms E276K.
Identifiers: ClinVar variation 1522641 (VCV001522641.8), dbSNP rs751900290, ClinGen allele CA3808530.